The following is an entry in ClinVar:

ClinVar aggregate classification (germline): Likely pathogenic (1 of 4 stars; one submission).

Submission:

GeneDx
Classification: Likely pathogenic. Last evaluated: 2016-05-24. Review status: criteria provided, single submitter. Criteria: GeneDx Variant Classification (06012015). Collection method: clinical testing. Allele origin: germline. Affected: yes.
Comment: This deletion of one nucleotide in ATM is denoted c.8564delG at the cDNA level and p.Ser2855MetfsX2 (S2855MfsX2) at the protein level. The normal sequence, with the base that is deleted in braces, is CGCA[G]TGTA. The deletion causes a frameshift which changes a Serine to a Methionine at codon 2855, and creates a premature stop codon at position 2 of the new reading frame. Although this variant has not, to our knowledge, been reported in the literature, it is predicted to cause loss of normal protein function through either protein truncation or nonsense-mediated mRNA decay. Based on the currently available information, we consider this deletion to be a likely pathogenic variant.

NM_000051.4(ATM):c.8564del (p.Ser2855fs)

Genes: C11orf65 (chromosome 11 open reading frame 65; minus strand), ATM (ATM serine/threonine kinase; plus strand). Cytogenetic location: 11q22.3.
Variant type: Deletion.
Coding change: c.8564del on transcript NM_000051.4 (MANE Select); coding-DNA position 8564, one base deleted (G; older notation c.8564delG).
Protein change: p.Ser2855fs; shifts the reading frame from serine 2855.
Molecular consequence: frameshift variant. On other transcripts: intron variant (2).
Genome position (GRCh38, 1-based): chr11:108,345,888, G deleted. VCF-style (leftmost placement, unchanged base first): chr11-108345887-AG-A. GRCh37 (hg19) VCF-style: chr11-108216614-AG-A.
Other names: c.8564del, p.Ser2855fs (NM_001351834.2); c.641-36817del (NM_001330368.2); c.695-10596del (NM_001351110.2); short protein forms S2855fs.
Identifiers: ClinVar variation 265582 (VCV000265582.4), dbSNP rs886039643, ClinGen allele CA10588512.